The following is an entry in ClinVar:

ClinVar aggregate classification (germline): Uncertain significance (1 of 4 stars; one submission).

Conditions:
DK1-congenital disorder of glycosylation. Also called: CONGENITAL DISORDER OF GLYCOSYLATION, TYPE Im; CDG Im; DK1 DEFICIENCY; DOLICHOL KINASE DEFICIENCY; DK1-CDG; DOLK-congenital disorder of glycosylation. Identifiers: Orphanet 91131, MedGen C1835849, MONDO:0012556, OMIM 610768.

Submission:

Labcorp Genetics (formerly Invitae), Labcorp
Classification: Uncertain significance for DK1-congenital disorder of glycosylation. Last evaluated: 2022-07-11. Review status: criteria provided, single submitter. Criteria: Invitae Variant Classification Sherloc (09022015). Collection method: clinical testing. Allele origin: germline.
Comment: In summary, the available evidence is currently insufficient to determine the role of this variant in disease. Therefore, it has been classified as a Variant of Uncertain Significance. Algorithms developed to predict the effect of missense changes on protein structure and function are either unavailable or do not agree on the potential impact of this missense change (SIFT: "Deleterious"; PolyPhen-2: "Benign"; Align-GVGD: "Class C0"). This variant has not been reported in the literature in individuals affected with DOLK-related conditions. This variant is not present in population databases (gnomAD no frequency). This sequence change replaces phenylalanine, which is neutral and non-polar, with leucine, which is neutral and non-polar, at codon 110 of the DOLK protein (p.Phe110Leu).

NM_014908.4(DOLK):c.330T>G (p.Phe110Leu)

Gene: DOLK (dolichol kinase; minus strand). Cytogenetic location: 9q34.11.
Variant type: single nucleotide variant.
Coding change: c.330T>G on transcript NM_014908.4 (MANE Select); coding-DNA position 330, T replaced by G.
Protein change: p.Phe110Leu; replaces phenylalanine 110 with leucine.
Molecular consequence: missense variant.
Genome position (GRCh38, 1-based): chr9:128,946,974, A>C on the plus strand (T>G on the coding strand, the complement: DOLK is on the minus strand). VCF-style: chr9-128946974-A-C. GRCh37 (hg19) VCF-style: chr9-131709253-A-C.
Other names: short protein forms F110L.
Identifiers: ClinVar variation 2015854 (VCV002015854.4), dbSNP rs2492005348, ClinGen allele CA375126534.
Genomic context (GRCh38, chr9:128,946,974, plus strand): 5'-GAGCGCCAACACTGATGAGAAGAGGGCCACTGCCATGCCAGTGGCTGCCACCACAATGCC[A>C]AAACGCTCAAAGAACGGGTTCCCAGCAGTCTGGCACCGCTCCTTCATGACTAGTCCAAGC-3'
Protein context (NP_055723.1, residues 100-120): QTAGNPFFER[Phe110Leu]GIVVAATGMA